The following is an entry in ClinVar:

NM_015570.4(AUTS2):c.2013G>A (p.Met671Ile)

Gene: AUTS2 (activator of transcription and developmental regulator AUTS2; plus strand). Cytogenetic location: 7q11.22.
Variant type: single nucleotide variant.
Coding change: c.2013G>A on transcript NM_015570.4 (MANE Select); coding-DNA position 2013, G replaced by A.
Protein change: p.Met671Ile; replaces methionine 671 with isoleucine.
Molecular consequence: missense variant.
Genome position (GRCh38, 1-based): chr7:70,781,623, G>A. VCF-style: chr7-70781623-G-A. GRCh37 (hg19) VCF-style: chr7-70246609-G-A.
Other names: c.1941G>A, p.Met647Ile (NM_001127231.3); short protein forms M647I, M671I.
Identifiers: ClinVar variation 3352547 (VCV003352547.2).

ClinVar aggregate classification (germline): Likely benign. Review status: criteria provided, single submitter (1 of 4 stars). 2 submissions from 2 submitters: Likely benign (1). 1 of the submissions does not count toward it. Last evaluated 2025-04-14.

Conditions:
AUTS2-related disorder. Also called: AUTS2-related condition.

gnomAD v4.1: 8 of 1,614,148 alleles (0.0005%); highest among the groups gnomAD compares: African/African-American, 0.0053%; no homozygotes.

Submissions (2):

Labcorp Genetics (formerly Invitae), Labcorp
Classification: Likely benign. Last evaluated: 2025-04-14. Review status: criteria provided, single submitter. Criteria: Invitae Variant Classification Sherloc (09022015). Collection method: clinical testing. Allele origin: germline.

PreventionGenetics, part of Exact Sciences
Classification: Uncertain significance for AUTS2-related condition. Last evaluated: 2024-09-17. Review status: no assertion criteria provided. Collection method: clinical testing. Allele origin: germline. Not counted in ClinVar's aggregate classification.
Comment: The AUTS2 c.2013G>A variant is predicted to result in the amino acid substitution p.Met671Ile. To our knowledge, this variant has not been reported in the literature. This variant is reported in 0.0% of alleles in individuals of African descent in gnomAD. At this time, the clinical significance of this variant is uncertain due to the absence of conclusive functional and genetic evidence.